The following is an entry in ClinVar:

ClinVar aggregate classification (germline): Likely benign. Review status: criteria provided, multiple submitters, no conflicts (2 of 4 stars). 4 submissions from 4 submitters: Likely benign (4). Last evaluated 2025-12-20.

Conditions:
Familial melanoma. Also called: Hereditary melanoma; Hereditary cutaneous melanoma. Identifiers: Orphanet 618, MedGen C1512419, MONDO:0018961.
Hereditary cancer-predisposing syndrome. Also called: Tumor predisposition; Neoplastic Syndromes, Hereditary; Hereditary neoplastic syndrome; Hereditary Cancer Syndrome. Identifiers: Orphanet 140162, MedGen C0027672, MeSH D009386, MONDO:0015356.

Allele frequency attached by ClinVar (database versions not stated): TOPMed below 0.00001; gnomAD 0.00001.
gnomAD v4.1: 1 of 1,611,656 alleles (0.000062%); highest among the groups gnomAD compares: Non-Finnish European, 0.000085%; no homozygotes.

Submissions (4):

Labcorp Genetics (formerly Invitae), Labcorp
Classification: Likely benign for Familial melanoma. Last evaluated: 2025-12-20. Review status: criteria provided, single submitter. Criteria: Invitae Variant Classification Sherloc (09022015). Collection method: clinical testing. Allele origin: germline.

Ambry Genetics
Classification: Likely benign for Hereditary cancer-predisposing syndrome. Last evaluated: 2020-08-28. Review status: criteria provided, single submitter. Criteria: Ambry Variant Classification Scheme 2023. Collection method: clinical testing. Allele origin: germline.

GeneDx
Classification: Likely benign. Last evaluated: 2019-05-09. Review status: criteria provided, single submitter. Criteria: GeneDx Variant Classification Process June 2021. Collection method: clinical testing. Allele origin: germline. Affected: yes.
Comment: This variant is associated with the following publications: (PMID: 19690981)

Color Diagnostics, LLC DBA Color Health
Classification: Likely benign for Hereditary cancer-predisposing syndrome. Last evaluated: 2016-12-09. Review status: criteria provided, single submitter. Criteria: ACMG Guidelines, 2015. Collection method: clinical testing. Allele origin: germline.

NM_000077.5(CDKN2A):c.396G>C (p.Ala132=)

Gene: CDKN2A (cyclin dependent kinase inhibitor 2A; minus strand). Cytogenetic location: 9p21.3.
Variant type: single nucleotide variant.
Coding change: c.396G>C on transcript NM_000077.5; coding-DNA position 396, G replaced by C.
Protein change: p.Ala132=; no amino-acid change (alanine 132 retained).
Molecular consequence: synonymous variant (on NM_000077.6). On other transcripts: 3 prime UTR variant (2).
Genome position (GRCh38, 1-based): chr9:21,970,963, C>G on the plus strand (G>C on the coding strand, the complement: CDKN2A is on the minus strand). VCF-style: chr9-21970963-C-G. GRCh37 (hg19) VCF-style: chr9-21970962-C-G.
Other names: c.396G>C, p.Ala132= (NM_000077.6, NM_001195132.2); c.243G>C, p.Ala81= (NM_001363763.2); c.*40G>C (NM_058195.4); c.*319G>C (NM_058197.5).
Identifiers: ClinVar variation 382703 (VCV000382703.17), dbSNP rs745702441, ClinGen allele CA16605669.